The following is an entry in ClinVar:

NM_001101426.4(CRPPA):c.497T>A (p.Val166Asp)

Gene: CRPPA (CDP-L-ribitol pyrophosphorylase A; minus strand). Cytogenetic location: 7p21.2.
Variant type: single nucleotide variant.
Coding change: c.497T>A on transcript NM_001101426.4 (MANE Select); coding-DNA position 497, T replaced by A.
Protein change: p.Val166Asp; replaces valine 166 with aspartic acid.
Molecular consequence: missense variant. On other transcripts: non-coding transcript variant (1).
Genome position (GRCh38, 1-based): chr7:16,406,098, A>T on the plus strand (T>A on the coding strand, the complement: CRPPA is on the minus strand). VCF-style: chr7-16406098-A-T. GRCh37 (hg19) VCF-style: chr7-16445723-A-T.
Other names: c.497T>A, p.Val166Asp (NM_001101417.4, NM_001368197.1); short protein forms V166D.
Identifiers: ClinVar variation 1308502 (VCV001308502.2), dbSNP rs2128318424, ClinGen allele CA367002181.

ClinVar aggregate classification (germline): Uncertain significance (1 of 4 stars; one submission).

Allele frequency attached by ClinVar (database versions not stated): gnomAD exomes below 0.00001.
gnomAD v4.1: 1 of 1,613,866 alleles (0.000062%); highest among the groups gnomAD compares: South Asian, 0.0011%; no homozygotes.

Submission:

GeneDx
Classification: Uncertain significance. Last evaluated: 2019-04-09. Review status: criteria provided, single submitter. Criteria: GeneDx Variant Classification Process June 2021. Collection method: clinical testing. Allele origin: germline. Affected: yes.
Comment: Not observed in large population cohorts (Lek et al., 2016); In silico analysis, which includes protein predictors and evolutionary conservation, supports a deleterious effect; Has not been previously published as pathogenic or benign to our knowledge